The following is an entry in ClinVar:

NM_006343.3(MERTK):c.1622A>G (p.Glu541Gly)

Gene: MERTK (MER proto-oncogene, tyrosine kinase; plus strand). Cytogenetic location: 2q13.
Variant type: single nucleotide variant.
Coding change: c.1622A>G on transcript NM_006343.3 (MANE Select); coding-DNA position 1622, A replaced by G.
Protein change: p.Glu541Gly; replaces glutamic acid 541 with glycine.
Molecular consequence: missense variant.
Genome position (GRCh38, 1-based): chr2:112,001,218, A>G. VCF-style: chr2-112001218-A-G. GRCh37 (hg19) VCF-style: chr2-112758795-A-G.
Other names: short protein forms E541G.
Identifiers: ClinVar variation 2069748 (VCV002069748.4), dbSNP rs2466875898, ClinGen allele CA348232057.

ClinVar aggregate classification (germline): Uncertain significance (1 of 4 stars; one submission).

Submission:

Labcorp Genetics (formerly Invitae), Labcorp
Classification: Uncertain significance. Last evaluated: 2024-12-16. Review status: criteria provided, single submitter. Criteria: Invitae Variant Classification Sherloc (09022015). Collection method: clinical testing. Allele origin: germline.
Comment: This sequence change replaces glutamic acid, which is acidic and polar, with glycine, which is neutral and non-polar, at codon 541 of the MERTK protein (p.Glu541Gly). This variant is not present in population databases (gnomAD no frequency). This variant has not been reported in the literature in individuals affected with MERTK-related conditions. ClinVar contains an entry for this variant (Variation ID: 2069748). Invitae Evidence Modeling of protein sequence and biophysical properties (such as structural, functional, and spatial information, amino acid conservation, physicochemical variation, residue mobility, and thermodynamic stability) has been performed for this missense variant. However, the output from this modeling did not meet the statistical confidence thresholds required to predict the impact of this variant on MERTK protein function. In summary, the available evidence is currently insufficient to determine the role of this variant in disease. Therefore, it has been classified as a Variant of Uncertain Significance.